The following is an entry in ClinVar:

NM_000059.4(BRCA2):c.631+4A>G

Gene: BRCA2 (BRCA2 DNA repair associated; plus strand). Cytogenetic location: 13q13.1.
Variant type: single nucleotide variant.
Coding change: c.631+4A>G on transcript NM_000059.4 (MANE Select); 4 bases into the intron after coding-DNA position 631, A replaced by G.
Molecular consequence: intron variant.
Genome position (GRCh38, 1-based): chr13:32,326,617, A>G. VCF-style: chr13-32326617-A-G. GRCh37 (hg19) VCF-style: chr13-32900754-A-G.
Identifiers: ClinVar variation 52056 (VCV000052056.17), dbSNP rs397507841, ClinGen allele CA023861.

ClinVar aggregate classification (germline): Likely pathogenic. Review status: reviewed by expert panel (3 of 4 stars). 6 submissions from 6 submitters: Likely pathogenic (1). 5 of the submissions do not count toward it. Last evaluated 2025-08-18.

Conditions:
BRCA2-related cancer predisposition. Identifiers: MedGen CN377758, MONDO:0700269.
Hereditary cancer-predisposing syndrome. Also called: Neoplastic Syndromes, Hereditary; Hereditary neoplastic syndrome; Tumor predisposition; Hereditary Cancer Syndrome. Identifiers: Orphanet 140162, MedGen C0027672, MeSH D009386, MONDO:0015356.
Hereditary breast ovarian cancer syndrome. Also called: Hereditary breast and/or ovarian cancer syndrome; Hereditary breast and ovarian cancer; Hereditary breast and ovarian cancer syndrome (HBOC); Breast and ovarian cancer; BRCA1- and BRCA2-Associated Hereditary Breast and Ovarian Cancer; Hereditary breast and ovarian cancer syndrome. Identifiers: Orphanet 145, MedGen C0677776, MeSH D061325, MONDO:0003582. Disease mechanism: loss of function.
Breast-ovarian cancer, familial, susceptibility to, 2 (BROVCA2). Also called: BRCA2 Hereditary Breast and Ovarian Cancer. Identifiers: Orphanet 145, MedGen C2675520, MONDO:0012933, OMIM 612555. Disease mechanism: loss of function.

Allele frequency attached by ClinVar (database versions not stated): TOPMed below 0.00001; gnomAD exomes below 0.00001.
gnomAD v4.1: 1 of 1,565,352 alleles (0.000064%); highest among the groups gnomAD compares: Admixed American, 0.0017%; no homozygotes.

Submissions (6):

ClinGen ENIGMA BRCA1 and BRCA2 Variant Curation Expert Panel, ClinGen
Classification: Likely pathogenic for BRCA2-related cancer predisposition. Last evaluated: 2025-08-18. Review status: reviewed by expert panel. Criteria: CSpec BRCA1/2ACMG Rules Specifications V1.2. Collection method: curation. Allele origin: germline. Inheritance: Autosomal dominant inheritance.
Comment: The c.631+4A>G variant is an intronic variant occurring in intron 7 of the BRCA2 gene. This variant is absent from gnomAD v2.1 (exomes only, non-cancer subset, read depth ≥25) and gnomAD v3.1 (non-cancer subset, read depth ≥25) (PM2_Supporting met). This BRCA2 intronic variant is located outside of the native donor and acceptor 1,2 splice sites, and has a SpliceAI score of 0.71, predicting an impact on splicing (score threshold ≥0.2) (PP3 not applied because a PVS1 code is met). This variant is reported to result in aberrant mRNA splicing. RNAseq, minigene and RT-PCR demonstrated that the variant impacts splicing by exon skipping (PMIDs: 20455026, 31143303). Preliminary code strength determined by comparison of results to PVS1 decision tree and assessment of mRNA splicing data (PVS1 (RNA) met). The percent reference (full-length, FL) and aberrant transcripts produced from the variant allele using allele specific quantitative assessment with Capillary electrophoresis was determined to be full-length (0%) / exon skipping (100%). Final code strength determined by the rubric: PVS1 (RNA). In summary, this variant meets the criteria to be classified as a Likely pathogenic variant for BRCA2-related cancer predisposition based on the ACMG/AMP criteria applied as specified by the ENIGMA BRCA1/2 VCEP (PM2_Supporting, PVS1 (RNA)).

Ambry Genetics
Classification: Likely pathogenic for Hereditary cancer-predisposing syndrome. Last evaluated: 2026-06-12. Review status: criteria provided, single submitter. Criteria: Ambry Variant Classification Scheme 2023. Collection method: clinical testing. Allele origin: germline. Not counted in ClinVar's aggregate classification.
Comment: The c.631+4A>G intronic variant results from an A to G substitution 4 nucleotides after coding exon 6 in the BRCA2 gene. This alteration was identified in a large, worldwide study of BRCA1/2 mutation positive families (Rebbeck TR et al. Hum Mutat, 2018 May;39:593-620); in addition, the alteration was identified in 11 individuals from two families in a Norwegian HBOC cohort (Heramb C et al. Hered Cancer Clin Pract, 2018 Jan;16:3). This patient also carried BRCA1 p.R1699Q, which is thought to be a moderate risk mutation. Somatic testing indicated that the father carried both alterations. In addition, RT-PCR demonstrated skipping of coding exon 6 (Steffensen AY et al. Fam. Cancer. 2010 Sep;9(3):283-7; Wangensteen T et al. Hered Cancer Clin Pract, 2019 May;17:14). This nucleotide position is well conserved in available vertebrate species. In silico splice site analysis predicts that this alteration will weaken the native splice donor site. RNA studies have demonstrated that this variant results in abnormal splicing in the set of samples tested (Ambry internal data). This variant is considered to be rare based on population cohorts in the Genome Aggregation Database (gnomAD). Based on the majority of available evidence to date, this variant is likely to be pathogenic.

Labcorp Genetics (formerly Invitae), Labcorp
Classification: Likely pathogenic for Hereditary breast ovarian cancer syndrome. Last evaluated: 2022-08-22. Review status: criteria provided, single submitter. Criteria: Invitae Variant Classification Sherloc (09022015). Collection method: clinical testing. Allele origin: germline. Not counted in ClinVar's aggregate classification.
Comment: Variants that disrupt the consensus splice site are a relatively common cause of aberrant splicing (PMID: 17576681, 9536098). Studies have shown that this variant alters mRNA splicing and is expected to lead to the loss of protein expression (PMID: 20455026, 31143303). ClinVar contains an entry for this variant (Variation ID: 52056). This variant has been observed in individual(s) with a personal and/or family history of breast and ovarian cancer (PMID: 29339979, 29446198). This variant is not present in population databases (gnomAD no frequency). This sequence change falls in intron 7 of the BRCA2 gene. It does not directly change the encoded amino acid sequence of the BRCA2 protein. RNA analysis indicates that this variant induces altered splicing and may result in an absent or disrupted protein product. In summary, the currently available evidence indicates that the variant is pathogenic, but additional data are needed to prove that conclusively. Therefore, this variant has been classified as Likely Pathogenic.

AiLife Diagnostics
Classification: Likely pathogenic. Last evaluated: 2020-04-01. Review status: criteria provided, single submitter. Criteria: ACMG Guidelines, 2015. Collection method: clinical testing. Allele origin: germline. Affected: yes. Observed: 1 variant allele. Not counted in ClinVar's aggregate classification.

Department of Medical Genetics, Oslo University Hospital
Classification: Likely pathogenic for Breast-ovarian cancer, familial, susceptibility to, 2. Last evaluated: 2017-07-17. Review status: criteria provided, single submitter. Criteria: ACMG Guidelines, 2015. Collection method: clinical testing. Allele origin: germline. Affected: yes. Observed: 11 variant alleles. Not counted in ClinVar's aggregate classification.

Consortium of Investigators of Modifiers of BRCA1/2 (CIMBA), c/o University of Cambridge
Classification: Pathogenic for Breast-ovarian cancer, familial, susceptibility to, 2. Last evaluated: 2015-10-02. Review status: criteria provided, single submitter. Criteria: CIMBA Mutation Classification guidelines May 2016. Collection method: clinical testing. Allele origin: germline. Not counted in ClinVar's aggregate classification.

Literature cited by the submitters: PubMed 20455026 (cited by 3 submitters); PubMed 29339979 (cited by 3 submitters); PubMed 29446198 (cited by Ambry Genetics and Labcorp Genetics (formerly Invitae), Labcorp); PubMed 31143303 (cited by 3 submitters); PubMed 32398771 (cited by Ambry Genetics); PubMed 17576681 (cited by Labcorp Genetics (formerly Invitae), Labcorp); PubMed 9536098 (cited by Labcorp Genetics (formerly Invitae), Labcorp); PubMed 25525159 (cited by AiLife Diagnostics).